The following is an entry in ClinVar:

ClinVar aggregate classification (germline): Uncertain significance. Review status: criteria provided, multiple submitters, no conflicts (2 of 4 stars). 2 submissions from 2 submitters: Uncertain significance (2). Last evaluated 2025-08-16.

Submissions (2):

Labcorp Genetics (formerly Invitae), Labcorp
Classification: Uncertain significance. Last evaluated: 2025-08-16. Review status: criteria provided, single submitter. Criteria: Invitae Variant Classification Sherloc (09022015). Collection method: clinical testing. Allele origin: germline.
Comment: This sequence change replaces arginine, which is basic and polar, with tryptophan, which is neutral and slightly polar, at codon 7 of the ATPAF2 protein (p.Arg7Trp). This variant is not present in population databases (gnomAD no frequency). This variant has not been reported in the literature in individuals affected with ATPAF2-related conditions. An algorithm developed to predict the effect of missense changes on protein structure and function (PolyPhen-2) suggests that this variant is likely to be tolerated. In summary, the available evidence is currently insufficient to determine the role of this variant in disease. Therefore, it has been classified as a Variant of Uncertain Significance.

Ambry Genetics
Classification: Uncertain significance. Last evaluated: 2025-07-31. Review status: criteria provided, single submitter. Criteria: Ambry Variant Classification Scheme 2023. Collection method: clinical testing. Allele origin: germline.

NM_145691.4(ATPAF2):c.19C>T (p.Arg7Trp)

Gene: ATPAF2 (ATP synthase mitochondrial F1 complex assembly factor 2; minus strand). Cytogenetic location: 17p11.2.
Variant type: single nucleotide variant.
Coding change: c.19C>T on transcript NM_145691.4 (MANE Select); coding-DNA position 19, C replaced by T.
Protein change: p.Arg7Trp; replaces arginine 7 with tryptophan.
Molecular consequence: missense variant.
Genome position (GRCh38, 1-based): chr17:18,038,995, G>A on the plus strand (C>T on the coding strand, the complement: ATPAF2 is on the minus strand). VCF-style: chr17-18038995-G-A. GRCh37 (hg19) VCF-style: chr17-17942309-G-A.
Other names: short protein forms R7W.
Identifiers: ClinVar variation 4181390 (VCV004181390.2).
Genomic context (GRCh38, chr17:18,038,995, plus strand): 5'-TAGAAGCGCTGGGGCCACCCGCCGGCCGATTCAGGAGACGGCGTCCCCCGTCCCGCAGCC[G>A]GAGGCAGCTCCTCCACATCGCGCCCGAGGGTCTGGGAAGATGCGAGACGCGAAACCTGGA-3'
Protein context (NP_663729.1, residues 1-17): MWRSCL[Arg7Trp]LRDGGRRLLN